The following is an entry in ClinVar:

NM_015506.3(MMACHC):c.395G>A (p.Arg132Gln)

Gene: MMACHC (metabolism of cobalamin associated C; plus strand). Cytogenetic location: 1p34.1.
Variant type: single nucleotide variant.
Coding change: c.395G>A on transcript NM_015506.3 (MANE Select); coding-DNA position 395, G replaced by A.
Protein change: p.Arg132Gln; replaces arginine 132 with glutamine.
Molecular consequence: missense variant.
Genome position (GRCh38, 1-based): chr1:45,508,330, G>A. VCF-style: chr1-45508330-G-A. GRCh37 (hg19) VCF-style: chr1-45974002-G-A.
Other names: c.224G>A, p.Arg75Gln (NM_001330540.2); c.395G>A (NM_015506.2); short protein forms R132Q, R75Q.
Identifiers: ClinVar variation 377366 (VCV000377366.11), dbSNP rs369335868, ClinGen allele CA827724.

ClinVar aggregate classification (germline): Uncertain significance. Review status: criteria provided, multiple submitters, no conflicts (2 of 4 stars). 6 submissions from 6 submitters: Uncertain significance (5). 1 of the submissions does not count toward it. Last evaluated 2025-11-23.

Conditions:
Inborn genetic diseases. Identifiers: MedGen C0950123, MeSH D030342.
Cobalamin C disease. Also called: Cobalamin-C methylmalonic acidemia and homocystinuria; Methylmalonic acidemia and homocystinuria cblC type; Methylmalonic aciduria and homocystinuria, Vitamin B12-responsive; Vitamin B12 metabolic defect with combined deficiency of methylmalonyl-CoA mutase and homocysteine:methyltetrahydrofolate methyltransferase; methylmalonic aciduria and homocystinuria type cblC; Methylmalonic aciduria with homocystinuria cblC type. Identifiers: Orphanet 26, Orphanet 79282, MedGen C1848561, MONDO:0010184, OMIM 277400.

Allele frequency attached by ClinVar (database versions not stated): TOPMed 0.00006; ESP Exome Variant Server 0.00008.
gnomAD v4.1: 72 of 1,614,036 alleles (0.0045%); highest among the groups gnomAD compares: East Asian, 0.042%; no homozygotes.

Submissions (6):

Labcorp Genetics (formerly Invitae), Labcorp
Classification: Uncertain significance for Cobalamin C disease. Last evaluated: 2025-11-23. Review status: criteria provided, single submitter. Criteria: Invitae Variant Classification Sherloc (09022015). Collection method: clinical testing. Allele origin: germline.
Comment: This sequence change replaces arginine, which is basic and polar, with glutamine, which is neutral and polar, at codon 132 of the MMACHC protein (p.Arg132Gln). This variant is present in population databases (rs369335868, gnomAD 0.02%). This variant has not been reported in the literature in individuals affected with MMACHC-related conditions. ClinVar contains an entry for this variant (Variation ID: 377366). Invitae Evidence Modeling of protein sequence and biophysical properties (such as structural, functional, and spatial information, amino acid conservation, physicochemical variation, residue mobility, and thermodynamic stability) has been performed for this missense variant. However, the output from this modeling did not meet the statistical confidence thresholds required to predict the impact of this variant on MMACHC protein function. In summary, the available evidence is currently insufficient to determine the role of this variant in disease. Therefore, it has been classified as a Variant of Uncertain Significance.

Fulgent Genetics
Classification: Uncertain significance for Cobalamin C disease. Last evaluated: 2024-05-01. Review status: criteria provided, single submitter. Criteria: ACMG Guidelines, 2015. Collection method: clinical testing. Allele origin: germline.

Genome-Nilou Lab
Classification: Uncertain significance for Cobalamin C disease. Last evaluated: 2023-04-11. Review status: criteria provided, single submitter. Criteria: ACMG Guidelines, 2015. Collection method: clinical testing. Allele origin: germline. Affected: no.

Ambry Genetics
Classification: Uncertain significance for Inborn genetic diseases. Last evaluated: 2021-10-12. Review status: criteria provided, single submitter. Criteria: Ambry Variant Classification Scheme 2023. Collection method: clinical testing. Allele origin: germline.

Center for Pediatric Genomic Medicine, Children's Mercy Hospital and Clinics
Classification: Uncertain significance. Last evaluated: 2016-11-22. Review status: criteria provided, single submitter. Criteria: ACMG Guidelines, 2015. Collection method: clinical testing. Allele origin: germline.
ClinVar note: Converted during submission from Uncertain Significance to Uncertain significance.

Natera, Inc.
Classification: Uncertain significance for Methylmalonic aciduria and homocystinuria cblC type. Last evaluated: 2018-10-09. Review status: no assertion criteria provided. Collection method: clinical testing. Allele origin: germline. Not counted in ClinVar's aggregate classification.